The following is an entry in ClinVar:

ClinVar aggregate classification (germline): Benign/Likely benign. Review status: criteria provided, multiple submitters, no conflicts (2 of 4 stars). 3 submissions from 3 submitters: Benign (1); Likely benign (2). Last evaluated 2025-03-24.

Conditions:
Hereditary cancer-predisposing syndrome. Also called: Hereditary neoplastic syndrome; Neoplastic Syndromes, Hereditary; Tumor predisposition; Hereditary Cancer Syndrome. Identifiers: Orphanet 140162, MedGen C0027672, MeSH D009386, MONDO:0015356.
Peutz-Jeghers syndrome (PJS). Also called: POLYPOSIS, HAMARTOMATOUS INTESTINAL; POLYPS-AND-SPOTS SYNDROME; Peutz-Jeghers polyposis; Periorificial lentiginosis syndrome. Identifiers: Orphanet 2869, MedGen C0031269, MeSH D010580, MONDO:0008280, OMIM 175200.

Allele frequency attached by ClinVar (database versions not stated): TOPMed below 0.00001; gnomAD 0.00001.
gnomAD v4.1: 1 of 1,580,860 alleles (0.000063%); highest among the groups gnomAD compares: East Asian, 0.0023%; no homozygotes.

Submissions (3):

Myriad Genetics, Inc.
Classification: Benign for Peutz-Jeghers syndrome. Last evaluated: 2025-03-24. Review status: criteria provided, single submitter. Criteria: Myriad Autosomal Dominant, Autosomal Recessive and X-Linked Classification Criteria (2023). Collection method: clinical testing. Allele origin: unknown.
Comment: This variant is considered benign. This variant is a silent/synonymous amino acid change and it is not expected to impact splicing.

Labcorp Genetics (formerly Invitae), Labcorp
Classification: Likely benign for Peutz-Jeghers syndrome. Last evaluated: 2022-09-03. Review status: criteria provided, single submitter. Criteria: Invitae Variant Classification Sherloc (09022015). Collection method: clinical testing. Allele origin: germline.

Ambry Genetics
Classification: Likely benign for Hereditary cancer-predisposing syndrome. Last evaluated: 2016-08-10. Review status: criteria provided, single submitter. Criteria: Ambry Variant Classification Scheme 2023. Collection method: clinical testing. Allele origin: germline.

NM_000455.5(STK11):c.6G>A (p.Glu2=)

Gene: STK11 (serine/threonine kinase 11; plus strand). Cytogenetic location: 19p13.3.
Variant type: single nucleotide variant.
Coding change: c.6G>A on transcript NM_000455.5 (MANE Select); coding-DNA position 6, G replaced by A.
Protein change: p.Glu2=; no amino-acid change (glutamic acid 2 retained).
Molecular consequence: synonymous variant.
Genome position (GRCh38, 1-based): chr19:1,206,919, G>A. VCF-style: chr19-1206919-G-A. GRCh37 (hg19) VCF-style: chr19-1206918-G-A.
Identifiers: ClinVar variation 485011 (VCV000485011.15), dbSNP rs1271482574, ClinGen allele CA504706061.